The following is an entry in ClinVar:

NM_014795.4(ZEB2):c.489C>T (p.Ile163=)

Gene: ZEB2 (zinc finger E-box binding homeobox 2; minus strand). Cytogenetic location: 2q22.3.
Variant type: single nucleotide variant.
Coding change: c.489C>T on transcript NM_014795.4 (MANE Select); coding-DNA position 489, C replaced by T.
Protein change: p.Ile163=; no amino-acid change (isoleucine 163 retained).
Molecular consequence: synonymous variant.
Genome position (GRCh38, 1-based): chr2:144,404,939, G>A on the plus strand (C>T on the coding strand, the complement: ZEB2 is on the minus strand). VCF-style: chr2-144404939-G-A. GRCh37 (hg19) VCF-style: chr2-145162506-G-A.
Other names: p.I163I:ATC>ATT; c.417C>T, p.Ile139= (NM_001171653.2).
Identifiers: ClinVar variation 95637 (VCV000095637.65), dbSNP rs138859323, ClinGen allele CA148683.

ClinVar aggregate classification (germline): Benign/Likely benign. Review status: criteria provided, multiple submitters, no conflicts (2 of 4 stars). 14 submissions from 14 submitters: Benign (8); Likely benign (3). 3 of the submissions do not count toward it. Last evaluated 2026-07-01.

Conditions:
Inborn genetic diseases. Identifiers: MedGen C0950123, MeSH D030342.
ZEB2-related disorder. Also called: ZEB2-related condition.
Mowat-Wilson syndrome (MOWS). Also called: Classic Mowat-Wilson Syndrome. Identifiers: Orphanet 2152, MedGen C1856113, MONDO:0009341, OMIM 235730.

Allele frequency attached by ClinVar (database versions not stated): 1000 Genomes Project 0.00160; TOPMed 0.00311; 1000 Genomes Project 30x 0.00156; gnomAD 0.00277 and 0.00295; gnomAD exomes 0.00372 and 0.00289; ESP Exome Variant Server 0.00284; ExAC 0.00365.
gnomAD v4.1: 4,860 of 1,614,212 alleles (0.3%); highest among the groups gnomAD compares: Middle Eastern, 5.6%; 50 homozygotes.

Submissions (14):

CeGaT Center for Human Genetics Tuebingen
Classification: Benign. Last evaluated: 2026-07-01. Review status: criteria provided, single submitter. Criteria: CeGaT Center For Human Genetics Tuebingen Variant Classification Criteria Version 2. Collection method: clinical testing. Allele origin: germline. Affected: yes. Observed: 54 variant alleles.
Comment: ZEB2: BP4, BP7, BS1, BS2

Labcorp Genetics (formerly Invitae), Labcorp
Classification: Benign for Mowat-Wilson syndrome. Last evaluated: 2026-02-03. Review status: criteria provided, single submitter. Criteria: Invitae Variant Classification Sherloc (09022015). Collection method: clinical testing. Allele origin: germline.

ARUP Laboratories, Molecular Genetics and Genomics, ARUP Laboratories
Classification: Benign for Mowat-Wilson syndrome. Last evaluated: 2025-07-17. Review status: criteria provided, single submitter. Criteria: ARUP Molecular Germline Variant Investigation Process 2024. Collection method: clinical testing. Allele origin: germline.

Blueprint Genetics
Classification: Likely benign. Last evaluated: 2024-11-25. Review status: criteria provided, single submitter. Criteria: ACMG Guidelines, 2015. Collection method: clinical testing. Allele origin: germline.

Genome-Nilou Lab
Classification: Benign for Mowat-Wilson syndrome. Last evaluated: 2021-11-07. Review status: criteria provided, single submitter. Criteria: ACMG Guidelines, 2015. Collection method: clinical testing. Allele origin: germline. Affected: no.

Athena Diagnostics
Classification: Benign. Last evaluated: 2017-06-26. Review status: criteria provided, single submitter. Criteria: Athena Diagnostics Criteria. Collection method: clinical testing. Allele origin: germline.

Ambry Genetics
Classification: Likely benign for Inborn genetic diseases. Last evaluated: 2016-04-19. Review status: criteria provided, single submitter. Criteria: Ambry Variant Classification Scheme 2023. Collection method: clinical testing. Allele origin: germline.

Genetic Services Laboratory, University of Chicago
Classification: Benign. Last evaluated: 2015-09-30. Review status: criteria provided, single submitter. Criteria: ACMG Guidelines, 2015. Collection method: clinical testing. Allele origin: germline. Affected: no.

Eurofins Ntd Llc (ga)
Classification: Benign. Last evaluated: 2013-09-13. Review status: criteria provided, single submitter. Criteria: EGL Classification Definitions 2015. Collection method: clinical testing. Allele origin: germline. Observed: 11 variant alleles, 9 heterozygotes, 2 homozygotes.

GeneDx
Classification: Benign. Last evaluated: 2012-03-09. Review status: criteria provided, single submitter. Criteria: GeneDx Variant Classification (06012015). Collection method: clinical testing. Allele origin: germline. Affected: yes.
Comment: This variant is considered likely benign or benign based on one or more of the following criteria: it is a conservative change, it occurs at a poorly conserved position in the protein, it is predicted to be benign by multiple in silico algorithms, and/or has population frequency not consistent with disease.

Breakthrough Genomics
Classification: Likely benign. Review status: criteria provided, single submitter. Criteria: ACMG Guidelines, 2015. Collection method: not provided. Allele origin: germline. Inheritance: Autosomal dominant inheritance. Affected: yes.

PreventionGenetics, part of Exact Sciences
Classification: Benign for ZEB2-related condition. Last evaluated: 2023-10-25. Review status: no assertion criteria provided. Collection method: clinical testing. Allele origin: germline. Not counted in ClinVar's aggregate classification.
Comment: This variant is classified as benign based on ACMG/AMP sequence variant interpretation guidelines (Richards et al. 2015 PMID: 25741868, with internal and published modifications).

Clinical Genetics DNA and cytogenetics Diagnostics Lab, Erasmus MC, Erasmus Medical Center
Classification: Likely benign. Review status: no assertion criteria provided. Collection method: clinical testing. Allele origin: germline. Affected: yes. Study: VKGL Data-share Consensus. Not counted in ClinVar's aggregate classification.

Diagnostic Laboratory, Department of Genetics, University Medical Center Groningen
Classification: Benign for Mowat-Wilson syndrome. Review status: no assertion criteria provided. Collection method: clinical testing. Allele origin: germline. Affected: yes. Study: VKGL Data-share Consensus. Not counted in ClinVar's aggregate classification.

Literature cited by the submitters: PubMed 16053902 (cited by Athena Diagnostics and Ambry Genetics).